The following is an entry in ClinVar:

ClinVar aggregate classification (germline): Conflicting classifications of pathogenicity. Review status: criteria provided, conflicting classifications (1 of 4 stars). 2 submissions from 2 submitters: Uncertain significance (1); Likely benign (1). Last evaluated 2025-02-02.

Allele frequency attached by ClinVar (database versions not stated): ESP Exome Variant Server 0.00008.
gnomAD v4.1: 201 of 1,613,948 alleles (0.012%); highest among the groups gnomAD compares: Admixed American, 0.037%; 2 homozygotes.

Submissions (2):

Women's Health and Genetics/Laboratory Corporation of America, LabCorp
Classification: Uncertain significance. Last evaluated: 2025-02-02. Review status: criteria provided, single submitter. Criteria: LabCorp Variant Classification Summary - May 2015. Collection method: clinical testing. Allele origin: germline.
Comment: Variant summary: TIAM1 c.4384G>A (p.Val1462Ile) results in a conservative amino acid change in the encoded protein sequence. Five of five in-silico tools predict a benign effect of the variant on protein function. The variant allele was found at a frequency of 0.00013 in 250476 control chromosomes. This frequency is not significantly higher than estimated for a pathogenic variant in TIAM1 causing Neurodevelopmental Disorder With Language Delay And Seizures, allowing no conclusion about variant significance. To our knowledge, no occurrence of c.4384G>A in individuals affected with Neurodevelopmental Disorder With Language Delay And Seizures and no experimental evidence demonstrating its impact on protein function have been reported. ClinVar contains an entry for this variant (Variation ID: 3177311). Based on the evidence outlined above, the variant was classified as uncertain significance.

Ambry Genetics
Classification: Likely benign. Last evaluated: 2023-11-03. Review status: criteria provided, single submitter. Criteria: Ambry Variant Classification Scheme 2023. Collection method: clinical testing. Allele origin: germline.

NM_001353694.2(TIAM1):c.4384G>A (p.Val1462Ile)

Gene: TIAM1 (TIAM Rac1 associated GEF 1; minus strand). Cytogenetic location: 21q22.11.
Variant type: single nucleotide variant.
Coding change: c.4384G>A on transcript NM_001353694.2 (MANE Select); coding-DNA position 4384, G replaced by A.
Protein change: p.Val1462Ile; replaces valine 1462 with isoleucine.
Molecular consequence: missense variant.
Genome position (GRCh38, 1-based): chr21:31,120,760, C>T on the plus strand (G>A on the coding strand, the complement: TIAM1 is on the minus strand). VCF-style: chr21-31120760-C-T. GRCh37 (hg19) VCF-style: chr21-32493078-C-T.
Other names: c.1483G>A, p.Val495Ile (NM_001353684.2); c.1408G>A, p.Val470Ile (NM_001353685.2); c.4309G>A, p.Val1437Ile (NM_001353686.2, NM_001353687.2); c.4384G>A, p.Val1462Ile (NM_001353688.1, NM_001353689.1, NM_001353690.1 and 4 more transcripts); short protein forms V1462I, V470I, V495I, V1437I.
Identifiers: ClinVar variation 3177311 (VCV003177311.2), dbSNP rs200252911, ClinGen allele CA9997491.